The following is an entry in ClinVar:

NM_000443.4(ABCB4):c.1692C>T (p.Asp564=)

Gene: ABCB4 (ATP binding cassette subfamily B member 4; minus strand). Cytogenetic location: 7q21.12.
Variant type: single nucleotide variant.
Coding change: c.1692C>T on transcript NM_000443.4 (MANE Select); coding-DNA position 1692, C replaced by T.
Protein change: p.Asp564=; no amino-acid change (aspartic acid 564 retained).
Molecular consequence: synonymous variant.
Genome position (GRCh38, 1-based): chr7:87,439,706, G>A on the plus strand (C>T on the coding strand, the complement: ABCB4 is on the minus strand). VCF-style: chr7-87439706-G-A. GRCh37 (hg19) VCF-style: chr7-87069022-G-A.
Other names: c.1692C>T, p.Asp564= (NM_018849.3, NM_018850.3); c.1692C>T (NM_000443.3).
Identifiers: ClinVar variation 2841887 (VCV002841887.4), dbSNP rs2546827742, ClinGen allele CA456348893.
Genomic context (GRCh38, chr7:87,439,706, plus strand): 5'-AGCTTTTTAGAGTCTACTGACCTTATCCAGAGCTGCCTGTACCTCAGCTTCACTTTCTGT[G>A]TCCAATGCTGACGTGGCCTCATCCAGCAGAAGGATCTTGGGGTTGCGAACCAGGGCACGT-3'
Protein context (NP_000434.1, residues 554-574): LLLDEATSAL[Asp564=]TESEAEVQAA

ClinVar aggregate classification (germline): Likely benign. Review status: criteria provided, multiple submitters, no conflicts (2 of 4 stars). 2 submissions from 2 submitters: Likely benign (2). Last evaluated 2026-04-16.

Conditions:
ABCB4-related disorder. Also called: ABCB4-related disorders; ABCB4-related condition.

Submissions (2):

PreventionGenetics, part of Exact Sciences
Classification: Likely benign for ABCB4-related condition. Last evaluated: 2026-04-16. Review status: criteria provided, single submitter. Criteria: ACMG Guidelines, 2015. Collection method: clinical testing. Allele origin: germline.
Comment: This variant is classified as likely benign based on ACMG/AMP sequence variant interpretation guidelines (Richards et al. 2015 PMID: 25741868, with internal and published modifications).

Labcorp Genetics (formerly Invitae), Labcorp
Classification: Likely benign. Last evaluated: 2023-03-01. Review status: criteria provided, single submitter. Criteria: Invitae Variant Classification Sherloc (09022015). Collection method: clinical testing. Allele origin: germline.